The following is an entry in ClinVar:

ClinVar aggregate classification (germline): Likely pathogenic (1 of 4 stars; one submission).

Conditions:
Primary ciliary dyskinesia. Also called: Ciliary dyskinesia. Identifiers: Orphanet 244, MedGen C0008780, MONDO:0016575, HP:0012265.

gnomAD v4.1: 38 of 1,598,762 alleles (0.0024%); highest among the groups gnomAD compares: Middle Eastern, 0.016%; 1 homozygote.

Submission:

Department of Human Genetics, Hannover Medical School
Classification: Likely pathogenic for Primary Ciliary Dyskinesia. Last evaluated: 2026-04-01. Review status: criteria provided, single submitter. Criteria: ACMG Guidelines, 2015. Collection method: research. Allele origin: germline. Affected: no.
Comment: Classification performed by HerediClassify using the following criteria:['PM2_supporting: Variant occures does not occur as homozygous in gnomAD.', 'PVS1_splicing_very_strong: Transcript ENST00000317716 undergoes NMD.']

NM_152750.5(CDHR3):c.1225-1G>A

Gene: CDHR3 (cadherin related family member 3; plus strand). Cytogenetic location: 7q22.3.
Variant type: single nucleotide variant.
Coding change: c.1225-1G>A on transcript NM_152750.5 (MANE Select); the canonical splice acceptor site of the intron before coding-DNA position 1225, G replaced by A.
Molecular consequence: splice acceptor variant.
Genome position (GRCh38, 1-based): chr7:106,015,110, G>A. VCF-style: chr7-106015110-G-A. GRCh37 (hg19) VCF-style: chr7-105655556-G-A.
Other names: c.961-1G>A (NM_001301161.2).
Identifiers: ClinVar variation 4880049 (VCV004880049.1).
Genomic context (GRCh38, chr7:106,015,110, plus strand): 5'-TCGCAGCCCAATAAATAGGATTGTTTAATCTGTATAATCTACTATCTCTGTTTTAATCTA[G>A]CTGATTGGTGATCTAGACTACGAAAATCCAAGTAACCTAGCAGCCGGCAATAAATATACG-3'